The following is an entry in ClinVar:

NM_000051.4(ATM):c.2797del (p.Ser933fs)

Gene: ATM (ATM serine/threonine kinase; plus strand). Cytogenetic location: 11q22.3.
Variant type: Deletion.
Coding change: c.2797del on transcript NM_000051.4 (MANE Select); coding-DNA position 2797, one base deleted (T; older notation c.2797delT).
Protein change: p.Ser933fs; shifts the reading frame from serine 933.
Molecular consequence: frameshift variant.
Genome position (GRCh38, 1-based): chr11:108,268,568, T deleted; the last of 2 consecutive T bases (chr11:108,268,567-108,268,568); deleting either gives the same sequence. VCF-style (leftmost placement, unchanged base first): chr11-108268566-AT-A. GRCh37 (hg19) VCF-style: chr11-108139293-AT-A.
Other names: c.2797del, p.Ser933fs (NM_001351834.2); short protein forms S933fs.
Identifiers: ClinVar variation 3148366 (VCV003148366.1), dbSNP rs2497637944, ClinGen allele CA2825001814.

ClinVar aggregate classification (germline): Pathogenic (1 of 4 stars; one submission).

Conditions:
Familial cancer of breast. Also called: BREAST CANCER, FAMILIAL; Hereditary breast cancer; hereditary breast carcinoma. Identifiers: Orphanet 227535, MedGen C0346153, MONDO:0016419, OMIM 114480. Disease mechanism: loss of function.

Submission:

Myriad Genetics, Inc.
Classification: Pathogenic for Familial cancer of breast. Last evaluated: 2024-01-18. Review status: criteria provided, single submitter. Criteria: Myriad Autosomal Dominant, Autosomal Recessive and X-Linked Classification Criteria (2023). Collection method: clinical testing. Allele origin: unknown.
Comment: This variant is considered pathogenic. This variant creates a frameshift predicted to result in premature protein truncation.